The following is an entry in ClinVar:

ClinVar aggregate classification (germline): Uncertain significance (1 of 4 stars; one submission).

Conditions:
Congenital disorder of glycosylation, type Iaa. Also called: Congenital disorder of glycosylation, type 1aa. Identifiers: MedGen C4310727, MONDO:0014904, OMIM 617082.

Submission:

Labcorp Genetics (formerly Invitae), Labcorp
Classification: Uncertain significance for Congenital disorder of glycosylation, type Iaa. Last evaluated: 2022-07-03. Review status: criteria provided, single submitter. Criteria: Invitae Variant Classification Sherloc (09022015). Collection method: clinical testing. Allele origin: germline.
Comment: In summary, the available evidence is currently insufficient to determine the role of this variant in disease. Therefore, it has been classified as a Variant of Uncertain Significance. Algorithms developed to predict the effect of missense changes on protein structure and function (SIFT, PolyPhen-2, Align-GVGD) all suggest that this variant is likely to be tolerated. This variant has not been reported in the literature in individuals affected with NUS1-related conditions. This variant is not present in population databases (gnomAD no frequency). This sequence change replaces serine, which is neutral and polar, with alanine, which is neutral and non-polar, at codon 168 of the NUS1 protein (p.Ser168Ala).

NM_138459.5(NUS1):c.502T>G (p.Ser168Ala)

Gene: NUS1 (NUS1 dehydrodolichyl diphosphate synthase subunit; plus strand). Cytogenetic location: 6q22.1.
Variant type: single nucleotide variant.
Coding change: c.502T>G on transcript NM_138459.5 (MANE Select); coding-DNA position 502, T replaced by G.
Protein change: p.Ser168Ala; replaces serine 168 with alanine.
Molecular consequence: missense variant.
Genome position (GRCh38, 1-based): chr6:117,693,128, T>G. VCF-style: chr6-117693128-T-G. GRCh37 (hg19) VCF-style: chr6-118014291-T-G.
Other names: short protein forms S168A.
Identifiers: ClinVar variation 2010831 (VCV002010831.4), dbSNP rs1475841573, ClinGen allele CA365536797.